The following is an entry in ClinVar:

NM_015141.4(GPD1L):c.370A>G (p.Ile124Val)

Gene: GPD1L (glycerol-3-phosphate dehydrogenase 1 like; plus strand). Cytogenetic location: 3p22.3.
Variant type: single nucleotide variant.
Coding change: c.370A>G on transcript NM_015141.4 (MANE Select); coding-DNA position 370, A replaced by G.
Protein change: p.Ile124Val; replaces isoleucine 124 with valine.
Molecular consequence: missense variant.
Genome position (GRCh38, 1-based): chr3:32,140,231, A>G. VCF-style: chr3-32140231-A-G. GRCh37 (hg19) VCF-style: chr3-32181723-A-G.
Other names: p.I124V:ATA>GTA; short protein forms I124V.
Identifiers: ClinVar variation 788 (VCV000000788.72), dbSNP rs72552293, ClinGen allele CA213881.

ClinVar aggregate classification (germline): Conflicting classifications of pathogenicity. Review status: criteria provided, conflicting classifications (1 of 4 stars). 17 submissions from 17 submitters: Uncertain significance (2); Benign (3); Likely benign (6). 6 of the submissions do not count toward it. Last evaluated 2026-01-12.

Conditions:
GPD1L-related disorder. Also called: GPD1L-related condition.
Cardiovascular phenotype. Identifiers: MedGen CN230736.
Brugada syndrome. Also called: Sudden Unexplained Death Syndrome; Sudden Unexplained Nocturnal Death Syndrome (SUNDS); Sudden unexplained nocturnal death syndrome; Sudden unexpected nocturnal death syndrome. Identifiers: Orphanet 130, MedGen C1142166, MONDO:0015263.
SUDDEN INFANT DEATH SYNDROME (SIDS). Also called: Sudden Infant Death. Identifiers: MedGen C0038644, MeSH D013398, OMIM 272120.
Hypertrophic cardiomyopathy. Also called: HYPERTROPHIC MYOCARDIOPATHY. Identifiers: Orphanet 217569, MedGen C0007194, MeSH D002312, MONDO:0005045, HP:0001639.
Brugada syndrome 2 (BRGDA2). Identifiers: Orphanet 130, MedGen C2673193, MONDO:0012728, OMIM 611777.

Allele frequency attached by ClinVar (database versions not stated): 1000 Genomes Project 30x 0.00078; 1000 Genomes Project 0.00080; TOPMed 0.00091; gnomAD exomes 0.00165 and 0.00251; ExAC 0.00205; gnomAD 0.00277 and 0.00291.
gnomAD v4.1: 2,829 of 1,614,054 alleles (0.18%); highest among the groups gnomAD compares: Non-Finnish European, 0.15%; 13 homozygotes.

Submissions (17):

Labcorp Genetics (formerly Invitae), Labcorp
Classification: Benign for Brugada syndrome. Last evaluated: 2026-01-12. Review status: criteria provided, single submitter. Criteria: Invitae Variant Classification Sherloc (09022015). Collection method: clinical testing. Allele origin: germline.

ARUP Laboratories, Molecular Genetics and Genomics, ARUP Laboratories
Classification: Benign for Brugada syndrome 2. Last evaluated: 2023-10-26. Review status: criteria provided, single submitter. Criteria: ARUP Molecular Germline Variant Investigation Process 2024. Collection method: clinical testing. Allele origin: germline.

Institute of Human Genetics, University of Leipzig Medical Center
Classification: Uncertain significance for Brugada syndrome 2. Last evaluated: 2020-10-19. Review status: criteria provided, single submitter. Criteria: ACMG Guidelines, 2015. Collection method: clinical testing. Allele origin: unknown. Affected: yes.

GeneDx
Classification: Likely benign. Last evaluated: 2019-07-23. Review status: criteria provided, single submitter. Criteria: GeneDx Variant Classification Process June 2021. Collection method: clinical testing. Allele origin: germline. Affected: yes.
Comment: This variant is associated with the following publications: (PMID: 22995991, 19606473, 29077258, 17967976, 24055113, 23465283, 21215473, 25395996, 25998140, 23295036, 24715918, 28837624, 30615648, 15140536, 31019283, 31043699, 30847666)

CeGaT Center for Human Genetics Tuebingen
Classification: Uncertain significance. Last evaluated: 2018-12-01. Review status: criteria provided, single submitter. Criteria: CeGaT Center For Human Genetics Tuebingen Variant Classification Criteria Version 2. Collection method: clinical testing. Allele origin: germline. Affected: yes. Observed: 2 variant alleles.

Equipe Genetique des Anomalies du Developpement, Université de Bourgogne
Classification: Likely benign for Brugada syndrome 2. Last evaluated: 2018-11-21. Review status: criteria provided, single submitter. Criteria: ACMG Guidelines, 2015. Collection method: clinical testing. Allele origin: unknown.

Ambry Genetics
Classification: Likely benign for Cardiovascular phenotype. Last evaluated: 2018-10-09. Review status: criteria provided, single submitter. Criteria: Ambry Variant Classification Scheme 2023. Collection method: clinical testing. Allele origin: germline.

Women's Health and Genetics/Laboratory Corporation of America, LabCorp
Classification: Likely benign. Last evaluated: 2018-07-25. Review status: criteria provided, single submitter. Criteria: LabCorp Variant Classification Summary - May 2015. Collection method: clinical testing. Allele origin: germline.
Comment: Variant summary: GPD1L c.370A>G (p.Ile124Val) results in a conservative amino acid change located in the N-terminal of the Glycerol-3-phosphate dehydrogenase, NAD-dependent domain (IPR011128) of the encoded protein sequence. Four of five in-silico tools predict a benign effect of the variant on protein function. The variant allele was found at a frequency of 0.0029 in 277792 control chromosomes in the gnomAD database and publications, including 7 homozygotes. The observed variant frequency is approximately 289-fold of the estimated maximal expected allele frequency for a pathogenic variant in GPD1L causing Arrhythmia phenotype (1e-05), strongly suggesting that the variant is benign. The variant, c.370A>G, has been reported in the literature in individuals affected with SIDS, sudden death, and atrial fibrillation (VanNorstrand_2007, Skinner_2014, Husser_2017). These data do not allow any conclusion about variant significance. At least one publication reports experimental evidence evaluating an impact on protein function, however, does not allow convincing conclusions about the variant effect (VanNorstrand_2007). Four clinical diagnostic laboratories have submitted clinical-significance assessments for this variant to ClinVar after 2014 without evidence for independent evaluation. All laboratories classified the variant as benign/likely benign. Based on the evidence outlined above, the variant was classified as likely benign.

Center for Advanced Laboratory Medicine, UC San Diego Health, University of California San Diego
Classification: Likely benign for Hypertrophic cardiomyopathy. Last evaluated: 2018-03-12. Review status: criteria provided, single submitter. Criteria: ACMG Guidelines, 2015. Collection method: clinical testing. Allele origin: germline. Affected: yes. Observed: 1 variant allele.

Laboratory for Molecular Medicine, Mass General Brigham Personalized Medicine
Classification: Benign. Last evaluated: 2016-03-29. Review status: criteria provided, single submitter. Criteria: LMM Criteria. Collection method: clinical testing. Allele origin: germline.
Comment: Variant identified in a genome or exome case(s) and assessed due to predicted null impact of the variant or pathogenic assertions in the literature or databases. Disclaimer: This variant has not undergone full assessment. The following are preliminary notes: ExAC: 1.2% (82/6614) Finnish chromosomes

Biesecker Lab/Clinical Genomics Section, National Institutes of Health
Classification: Likely benign for Sudden infant death syndrome. Last evaluated: 2013-06-24. Review status: criteria provided, single submitter. Criteria: Ng et al. (Circ Cardiovasc Genet. 2013). Collection method: research. Allele origin: unknown. Observed: 3 variant alleles. Study: ClinSeq.
Comment: The study set was not selected for affection status in relation to any cancer. Pathogenicity categories were based on literature curation. See Pubmed ID:23861362 for details.

Medical sequencing

PreventionGenetics, part of Exact Sciences
Classification: Likely benign for GPD1L-related condition. Last evaluated: 2023-12-11. Review status: no assertion criteria provided. Collection method: clinical testing. Allele origin: germline. Not counted in ClinVar's aggregate classification.
Comment: This variant is classified as likely benign based on ACMG/AMP sequence variant interpretation guidelines (Richards et al. 2015 PMID: 25741868, with internal and published modifications).

OMIM
Classification: Pathogenic for BRUGADA SYNDROME 2. Last evaluated: 2007-11-13. Review status: no assertion criteria provided. Collection method: literature only. Allele origin: germline. Not counted in ClinVar's aggregate classification.

Clinical Genetics DNA and cytogenetics Diagnostics Lab, Erasmus MC, Erasmus Medical Center
Classification: Likely benign. Review status: no assertion criteria provided. Collection method: clinical testing. Allele origin: germline. Affected: yes. Study: VKGL Data-share Consensus. Not counted in ClinVar's aggregate classification.

Clinical Genetics, Academic Medical Center
Classification: Likely benign. Review status: no assertion criteria provided. Collection method: clinical testing. Allele origin: germline. Affected: yes. Study: VKGL Data-share Consensus. Not counted in ClinVar's aggregate classification.

Genome Diagnostics Laboratory, University Medical Center Utrecht
Classification: Likely benign. Review status: no assertion criteria provided. Collection method: clinical testing. Allele origin: germline. Affected: yes. Study: VKGL Data-share Consensus. Not counted in ClinVar's aggregate classification.

Joint Genome Diagnostic Labs from Nijmegen and Maastricht, Radboudumc and MUMC+
Classification: Likely benign. Review status: no assertion criteria provided. Collection method: clinical testing. Allele origin: germline. Affected: yes. Study: VKGL Data-share Consensus. Not counted in ClinVar's aggregate classification.

Literature cited by the submitters: PubMed 15140536 (cited by Ambry Genetics); PubMed 17967976 (cited by 3 submitters); PubMed 22995991 (cited by Ambry Genetics and Women's Health and Genetics/Laboratory Corporation of America, LabCorp); PubMed 23465283 (cited by Ambry Genetics and Women's Health and Genetics/Laboratory Corporation of America, LabCorp); PubMed 24715918 (cited by Ambry Genetics and Women's Health and Genetics/Laboratory Corporation of America, LabCorp); PubMed 25998140 (cited by Ambry Genetics); PubMed 19815826 (cited by Women's Health and Genetics/Laboratory Corporation of America, LabCorp); PubMed 19606473 (cited by Women's Health and Genetics/Laboratory Corporation of America, LabCorp); PubMed 24055113 (cited by Women's Health and Genetics/Laboratory Corporation of America, LabCorp); PubMed 28837624 (cited by Women's Health and Genetics/Laboratory Corporation of America, LabCorp).